The following is an entry in ClinVar:

NM_016026.4(RDH11):c.372G>C (p.Leu124Phe)

Genes: GPHN (gephyrin; plus strand), RDH11 (retinol dehydrogenase 11; minus strand). Cytogenetic location: 14q24.1.
Variant type: single nucleotide variant.
Coding change: c.372G>C on transcript NM_016026.4 (MANE Select); coding-DNA position 372, G replaced by C.
Protein change: p.Leu124Phe; replaces leucine 124 with phenylalanine.
Molecular consequence: missense variant.
Genome position (GRCh38, 1-based): chr14:67,691,222, C>G on the plus strand (G>C on the coding strand, the complement: RDH11 is on the minus strand). VCF-style: chr14-67691222-C-G. GRCh37 (hg19) VCF-style: chr14-68157939-C-G.
Other names: c.372G>C, p.Leu124Phe (NM_001252650.2); short protein forms L124F.
Identifiers: ClinVar variation 1041480 (VCV001041480.8), dbSNP rs769763187, ClinGen allele CA7238412.

ClinVar aggregate classification (germline): Uncertain significance (1 of 4 stars; one submission).

Allele frequency attached by ClinVar (database versions not stated): ExAC 0.00001; gnomAD 0.00001; gnomAD exomes 0.00002; TOPMed 0.00002.
gnomAD v4.1: 23 of 1,613,720 alleles (0.0014%); highest among the groups gnomAD compares: Non-Finnish European, 0.0019%; no homozygotes.

Submission:

Labcorp Genetics (formerly Invitae), Labcorp
Classification: Uncertain significance. Last evaluated: 2023-12-09. Review status: criteria provided, single submitter. Criteria: Invitae Variant Classification Sherloc (09022015). Collection method: clinical testing. Allele origin: germline.
Comment: This sequence change replaces leucine, which is neutral and non-polar, with phenylalanine, which is neutral and non-polar, at codon 124 of the RDH11 protein (p.Leu124Phe). This variant is present in population databases (rs769763187, gnomAD 0.004%). This variant has not been reported in the literature in individuals affected with RDH11-related conditions. ClinVar contains an entry for this variant (Variation ID: 1041480). An algorithm developed to predict the effect of missense changes on protein structure and function (PolyPhen-2) suggests that this variant is likely to be disruptive. In summary, the available evidence is currently insufficient to determine the role of this variant in disease. Therefore, it has been classified as a Variant of Uncertain Significance.